The following is an entry in ClinVar:

ClinVar aggregate classification (germline): Uncertain significance. Review status: criteria provided, multiple submitters, no conflicts (2 of 4 stars). 2 submissions from 2 submitters: Uncertain significance (2). Last evaluated 2024-08-06.

Conditions:
Arrhythmogenic right ventricular cardiomyopathy (ARVD). Also called: Cardiomyopathy, ARVC; Arrhythmogenic right ventricular dysplasia; Arrhythmogenic cardiomyopathy; Arrhythmogenic Right Ventricular Cardiomyopathy (ARVC). Identifiers: Orphanet 247, MedGen C0349788, MeSH D019571, MONDO:0016587. Disease mechanism: loss of function. Inheritance: Various modes of inheritance.
Arrhythmogenic right ventricular dysplasia 9 (ARVD9). Also called: Arrhythmogenic Right Ventricular Dysplasia/Cardiomyopathy 9; ARRHYTHMOGENIC RIGHT VENTRICULAR DYSPLASIA, FAMILIAL, 9. Identifiers: MedGen C1836906, MONDO:0012180, OMIM 609040.

Allele frequency attached by ClinVar (database versions not stated): gnomAD exomes below 0.00001.
gnomAD v4.1: 4 of 1,614,076 alleles (0.00025%); highest among the groups gnomAD compares: Non-Finnish European, 0.00034%; no homozygotes.

Submissions (2):

All of Us Research Program, National Institutes of Health
Classification: Uncertain significance for Arrhythmogenic right ventricular cardiomyopathy. Last evaluated: 2024-08-06. Review status: criteria provided, single submitter. Criteria: ACMG Guidelines, 2015. Collection method: clinical testing. Allele origin: germline. Inheritance: Autosomal dominant inheritance. Observed: 2 variant alleles, 2 heterozygotes.
Comment: This missense variant replaces leucine with proline at codon 353 of the PKP2 protein. Computational prediction suggests that this variant may not impact protein structure and function (internally defined REVEL score threshold <= 0.5, PMID: 27666373). To our knowledge, functional studies have not been reported for this variant. This variant has not been reported in individuals affected with PKP2-related disorders in the literature. This variant has not been identified in the general population by the Genome Aggregation Database (gnomAD). The available evidence is insufficient to determine the role of this variant in disease conclusively. Therefore, this variant is classified as a Variant of Uncertain Significance.

This study involves interpretation of variants in research participants for the purpose of population health screening. Participant phenotype was not available at the time of variant classification. Additional details can be found in publication PMID: 35346344, PMCID: PMC8962531

Labcorp Genetics (formerly Invitae), Labcorp
Classification: Uncertain significance for Arrhythmogenic right ventricular dysplasia 9. Last evaluated: 2023-08-10. Review status: criteria provided, single submitter. Criteria: Invitae Variant Classification Sherloc (09022015). Collection method: clinical testing. Allele origin: germline.
Comment: ClinVar contains an entry for this variant (Variation ID: 848426). An algorithm developed to predict the effect of missense changes on protein structure and function (PolyPhen-2) suggests that this variant is likely to be tolerated. In summary, the available evidence is currently insufficient to determine the role of this variant in disease. Therefore, it has been classified as a Variant of Uncertain Significance. This variant has not been reported in the literature in individuals affected with PKP2-related conditions. This sequence change replaces leucine, which is neutral and non-polar, with proline, which is neutral and non-polar, at codon 353 of the PKP2 protein (p.Leu353Pro). This variant is not present in population databases (gnomAD no frequency).

NM_001005242.3(PKP2):c.1058T>C (p.Leu353Pro)

Gene: PKP2 (plakophilin 2; minus strand). Cytogenetic location: 12p11.21.
Variant type: single nucleotide variant.
Coding change: c.1058T>C on transcript NM_001005242.3 (MANE Select); coding-DNA position 1058, T replaced by C.
Protein change: p.Leu353Pro; replaces leucine 353 with proline.
Molecular consequence: missense variant.
Genome position (GRCh38, 1-based): chr12:32,869,039, A>G on the plus strand (T>C on the coding strand, the complement: PKP2 is on the minus strand). VCF-style: chr12-32869039-A-G. GRCh37 (hg19) VCF-style: chr12-33021973-A-G.
Other names: c.1058T>C, p.Leu353Pro (NM_004572.4); short protein forms L353P.
Identifiers: ClinVar variation 848426 (VCV000848426.11), dbSNP rs1956875248, ClinGen allele CA384359841.